The following is an entry in ClinVar:

NM_000187.4(HGD):c.146del (p.Phe49fs)

Gene: HGD (homogentisate 1,2-dioxygenase; minus strand). Cytogenetic location: 3q13.33.
Variant type: Deletion.
Coding change: c.146del on transcript NM_000187.4 (MANE Select); coding-DNA position 146, one base deleted (T; older notation c.146delT).
Protein change: p.Phe49fs; shifts the reading frame from phenylalanine 49.
Molecular consequence: frameshift variant.
Genome position (GRCh38, 1-based): chr3:120,674,931, A deleted on the plus strand (T on the coding strand, the reverse complement: HGD is on the minus strand); the first of 3 consecutive A bases (chr3:120,674,931-120,674,933); deleting any one gives the same sequence. VCF-style (leftmost placement, unchanged base first): chr3-120674930-GA-G. GRCh37 (hg19) VCF-style: chr3-120393777-GA-G.
Other names: short protein forms F49fs.
Identifiers: ClinVar variation 4716603 (VCV004716603.2).

ClinVar aggregate classification (germline): Pathogenic. Review status: criteria provided, multiple submitters, no conflicts (2 of 4 stars). 2 submissions from 2 submitters: Pathogenic (2). Last evaluated 2026-05-13.

Conditions:
Alkaptonuria (AKU). Also called: HOMOGENTISIC ACID OXIDASE DEFICIENCY; Alcaptonuria; Homogentisic acidura; Alkaptonuric ochronosis. Identifiers: Orphanet 56, MedGen C0002066, MONDO:0008753, OMIM 203500.

Submissions (2):

Myriad Genetics, Inc.
Classification: Pathogenic for Alkaptonuria. Last evaluated: 2026-05-13. Review status: criteria provided, single submitter. Criteria: Myriad Autosomal Dominant, Autosomal Recessive and X-Linked Classification Criteria (2023). Collection method: clinical testing. Allele origin: unknown.
Comment: NM_000187.3(HGD):c.146delT(F49Sfs*62) is expected to be pathogenic in the context of alkaptonuria. This variant is predicted to lead to an abnormal or absent protein product due to the creation of a premature termination codon in HGD, a gene where loss-of-function variants are known to be pathogenic. Please note: this variant was assessed in the context of healthy population screening.

Labcorp Genetics (formerly Invitae), Labcorp
Classification: Pathogenic for Alkaptonuria. Last evaluated: 2025-04-02. Review status: criteria provided, single submitter. Criteria: Invitae Variant Classification Sherloc (09022015). Collection method: clinical testing. Allele origin: germline.
Comment: This sequence change creates a premature translational stop signal (p.Phe49Serfs*62) in the HGD gene. It is expected to result in an absent or disrupted protein product. Loss-of-function variants in HGD are known to be pathogenic (PMID: 12501223, 19862842). This variant is not present in population databases (gnomAD no frequency). This variant has not been reported in the literature in individuals affected with HGD-related conditions. For these reasons, this variant has been classified as Pathogenic.

Literature cited by the submitters: PubMed 12501223 (cited by Labcorp Genetics (formerly Invitae), Labcorp); PubMed 19862842 (cited by Labcorp Genetics (formerly Invitae), Labcorp).